The following is an entry in ClinVar:

NM_001042492.3(NF1):c.6213del (p.Gln2071fs)

Gene: NF1 (neurofibromin 1; plus strand). Cytogenetic location: 17q11.2.
Variant type: Deletion.
Coding change: c.6213del on transcript NM_001042492.3 (MANE Select); coding-DNA position 6213, one base deleted (A; older notation c.6213delA).
Protein change: p.Gln2071fs; shifts the reading frame from glutamine 2071.
Molecular consequence: frameshift variant.
Genome position (GRCh38, 1-based): chr17:31,336,700, A deleted; the last of 2 consecutive A bases (chr17:31,336,699-31,336,700); deleting either gives the same sequence. VCF-style (leftmost placement, unchanged base first): chr17-31336698-CA-C. GRCh37 (hg19) VCF-style: chr17-29663716-CA-C.
Other names: c.6150delA, p.Gln2050Hisfs (NM_000267.4); short protein forms Q2071fs, Q2050fs.
Identifiers: ClinVar variation 2747059 (VCV002747059.3), dbSNP rs2508748314, ClinGen allele CA2695225099.

ClinVar aggregate classification (germline): Pathogenic (1 of 4 stars; one submission).

Conditions:
Neurofibromatosis, type 1 (NF1). Also called: Peripheral type neurofibromatosis; NEUROFIBROMATOSIS, TYPE I, SOMATIC; VON RECKLINGHAUSEN DISEASE; Neurofibromatosis, type I. Identifiers: Orphanet 636, MedGen C0027831, MONDO:0018975, OMIM 162200. Disease mechanism: loss of function.

Submission:

Labcorp Genetics (formerly Invitae), Labcorp
Classification: Pathogenic for Neurofibromatosis, type 1. Last evaluated: 2023-07-26. Review status: criteria provided, single submitter. Criteria: Invitae Variant Classification Sherloc (09022015). Collection method: clinical testing. Allele origin: germline.
Comment: For these reasons, this variant has been classified as Pathogenic. This variant has not been reported in the literature in individuals affected with NF1-related conditions. This variant is not present in population databases (gnomAD no frequency). This sequence change creates a premature translational stop signal (p.Gln2050Hisfs*11) in the NF1 gene. It is expected to result in an absent or disrupted protein product. Loss-of-function variants in NF1 are known to be pathogenic (PMID: 10712197, 23913538).

Literature cited by the submitters: PubMed 10712197; PubMed 23913538.